The following is an entry in ClinVar:

ClinVar aggregate classification (germline): Uncertain significance. Review status: criteria provided, multiple submitters, no conflicts (2 of 4 stars). 4 submissions from 4 submitters: Uncertain significance (4). Last evaluated 2026-02-10.

Conditions:
MERTK-related disorder. Also called: MERTK-related condition.
Inborn genetic diseases. Identifiers: MedGen C0950123, MeSH D030342.

Allele frequency attached by ClinVar (database versions not stated): ExAC 0.00002; TOPMed 0.00002; gnomAD 0.00003; gnomAD exomes 0.00003 and 0.00007; ESP Exome Variant Server 0.00008.
gnomAD v4.1: 110 of 1,614,046 alleles (0.0068%); highest among the groups gnomAD compares: Non-Finnish European, 0.0092%; no homozygotes.

Submissions (4):

PreventionGenetics, part of Exact Sciences
Classification: Uncertain significance for MERTK-related condition. Last evaluated: 2026-02-10. Review status: criteria provided, single submitter. Criteria: ACMG Guidelines, 2015. Collection method: clinical testing. Allele origin: germline.
Comment: The MERTK c.626C>T variant is predicted to result in the amino acid substitution p.Thr209Ile. To our knowledge, this variant has not been reported in the literature. This variant is reported in 0.0054% of alleles in individuals of European (Non-Finnish) descent in gnomAD. At this time, the clinical significance of this variant is uncertain due to the absence of conclusive functional and genetic evidence.

Ambry Genetics
Classification: Uncertain significance for Inborn genetic diseases. Last evaluated: 2025-05-06. Review status: criteria provided, single submitter. Criteria: Ambry Variant Classification Scheme 2023. Collection method: clinical testing. Allele origin: germline.

Labcorp Genetics (formerly Invitae), Labcorp
Classification: Uncertain significance. Last evaluated: 2022-02-13. Review status: criteria provided, single submitter. Criteria: Invitae Variant Classification Sherloc (09022015). Collection method: clinical testing. Allele origin: germline.
Comment: This sequence change replaces threonine, which is neutral and polar, with isoleucine, which is neutral and non-polar, at codon 209 of the MERTK protein (p.Thr209Ile). This variant is present in population databases (rs140249054, gnomAD 0.006%). This variant has not been reported in the literature in individuals affected with MERTK-related conditions. ClinVar contains an entry for this variant (Variation ID: 1000360). Algorithms developed to predict the effect of missense changes on protein structure and function are either unavailable or do not agree on the potential impact of this missense change (SIFT: "Deleterious"; PolyPhen-2: "Possibly Damaging"; Align-GVGD: "Class C15"). In summary, the available evidence is currently insufficient to determine the role of this variant in disease. Therefore, it has been classified as a Variant of Uncertain Significance.

Blueprint Genetics
Classification: Uncertain significance. Last evaluated: 2021-06-24. Review status: criteria provided, single submitter. Criteria: ACMG Guidelines, 2015. Collection method: clinical testing. Allele origin: germline.

NM_006343.3(MERTK):c.626C>T (p.Thr209Ile)

Gene: MERTK (MER proto-oncogene, tyrosine kinase; plus strand). Cytogenetic location: 2q13.
Variant type: single nucleotide variant.
Coding change: c.626C>T on transcript NM_006343.3 (MANE Select); coding-DNA position 626, C replaced by T.
Protein change: p.Thr209Ile; replaces threonine 209 with isoleucine.
Molecular consequence: missense variant.
Genome position (GRCh38, 1-based): chr2:111,947,436, C>T. VCF-style: chr2-111947436-C-T. GRCh37 (hg19) VCF-style: chr2-112705013-C-T.
Other names: c.626C>T (NM_006343.2); short protein forms T209I.
Identifiers: ClinVar variation 1000360 (VCV001000360.9), dbSNP rs140249054, ClinGen allele CA1831114.